The following is an entry in ClinVar:

NM_057175.5(NAA15):c.1714C>A (p.Pro572Thr)

Gene: NAA15 (N-alpha-acetyltransferase 15, NatA auxiliary subunit; plus strand). Cytogenetic location: 4q31.1.
Variant type: single nucleotide variant.
Coding change: c.1714C>A on transcript NM_057175.5 (MANE Select); coding-DNA position 1714, C replaced by A.
Protein change: p.Pro572Thr; replaces proline 572 with threonine.
Molecular consequence: missense variant.
Genome position (GRCh38, 1-based): chr4:139,361,898, C>A. VCF-style: chr4-139361898-C-A. GRCh37 (hg19) VCF-style: chr4-140283052-C-A.
Other names: c.1714C>A, p.Pro572Thr (NM_001410842.1); c.1714C>A (NM_057175.3); short protein forms P572T.
Identifiers: ClinVar variation 3646554 (VCV003646554.3).

ClinVar aggregate classification (germline): Uncertain significance. Review status: criteria provided, multiple submitters, no conflicts (2 of 4 stars). 2 submissions from 2 submitters: Uncertain significance (2). Last evaluated 2026-09-11.

Conditions:
Inborn genetic diseases. Identifiers: MedGen C0950123, MeSH D030342.

Submissions (2):

Ambry Genetics
Classification: Uncertain significance for Inborn genetic diseases. Last evaluated: 2026-09-11. Review status: criteria provided, single submitter. Criteria: Ambry Variant Classification Scheme 2023. Collection method: clinical testing. Allele origin: germline.
Comment: The c.1714C>A (p.P572T) alteration is located in exon 14 (coding exon 14) of the NAA15 gene. This alteration results from a C to A substitution at nucleotide position 1714, causing the proline (P) at amino acid position 572 to be replaced by a threonine (T). This variant was not reported in population-based cohorts in the Genome Aggregation Database (gnomAD). This amino acid position is highly conserved in available vertebrate species. The in silico prediction for this alteration is inconclusive. Based on insufficient or conflicting evidence, the clinical significance of this alteration remains unclear.

Labcorp Genetics (formerly Invitae), Labcorp
Classification: Uncertain significance. Last evaluated: 2024-03-18. Review status: criteria provided, single submitter. Criteria: Invitae Variant Classification Sherloc (09022015). Collection method: clinical testing. Allele origin: germline.
Comment: This sequence change replaces proline, which is neutral and non-polar, with threonine, which is neutral and polar, at codon 572 of the NAA15 protein (p.Pro572Thr). This variant is not present in population databases (gnomAD no frequency). This variant has not been reported in the literature in individuals affected with NAA15-related conditions. An algorithm developed to predict the effect of missense changes on protein structure and function (PolyPhen-2) suggests that this variant is likely to be disruptive. In summary, the available evidence is currently insufficient to determine the role of this variant in disease. Therefore, it has been classified as a Variant of Uncertain Significance.